The following is an entry in ClinVar:

ClinVar aggregate classification (germline): Conflicting classifications of pathogenicity. Review status: criteria provided, conflicting classifications (1 of 4 stars). 3 submissions from 3 submitters: Uncertain significance (1); Likely benign (1). 1 of the submissions does not count toward it. Last evaluated 2024-12-22.

Conditions:
LPIN1-related disorder. Also called: LPIN1-related condition.
Myoglobinuria, acute recurrent, autosomal recessive. Also called: MYOGLOBINURIA, FAMILIAL PAROXYSMAL PARALYTIC; RHABDOMYOLYSIS, ACUTE RECURRENT; Myoglobinuria, recurrent, autosomal recessive. Identifiers: Orphanet 99845, MedGen C1849386, MONDO:0009992, OMIM 268200.

Allele frequency attached by ClinVar (database versions not stated): gnomAD 0.00005 and 0.00006; TOPMed 0.00008.
gnomAD v4.1: 199 of 1,614,062 alleles (0.012%); highest among the groups gnomAD compares: Non-Finnish European, 0.017%; no homozygotes.

Submissions (3):

Labcorp Genetics (formerly Invitae), Labcorp
Classification: Likely benign. Last evaluated: 2024-12-22. Review status: criteria provided, single submitter. Criteria: Invitae Variant Classification Sherloc (09022015). Collection method: clinical testing. Allele origin: germline.

Illumina Laboratory Services, Illumina
Classification: Uncertain significance for Myoglobinuria, acute recurrent, autosomal recessive. Last evaluated: 2018-01-13. Review status: criteria provided, single submitter. Criteria: ICSL Variant Classification Criteria 13 December 2019. Collection method: clinical testing. Allele origin: germline.

PreventionGenetics, part of Exact Sciences
Classification: Likely benign for LPIN1-related condition. Last evaluated: 2020-07-24. Review status: no assertion criteria provided. Collection method: clinical testing. Allele origin: germline. Not counted in ClinVar's aggregate classification.
Comment: This variant is classified as likely benign based on ACMG/AMP sequence variant interpretation guidelines (Richards et al. 2015 PMID: 25741868, with internal and published modifications).

NM_001349206.2(LPIN1):c.1083G>A (p.Leu361=)

Gene: LPIN1 (lipin 1; plus strand). Cytogenetic location: 2p25.1.
Variant type: single nucleotide variant.
Coding change: c.1083G>A on transcript NM_001349206.2 (MANE Select); coding-DNA position 1083, G replaced by A.
Protein change: p.Leu361=; no amino-acid change (leucine 361 retained).
Molecular consequence: synonymous variant. On other transcripts: non-coding transcript variant (1).
Genome position (GRCh38, 1-based): chr2:11,782,326, G>A. VCF-style: chr2-11782326-G-A. GRCh37 (hg19) VCF-style: chr2-11922452-G-A.
Other names: c.1083G>A, p.Leu361= (NM_001349205.2, NM_001349204.2); c.1173G>A, p.Leu391= (NM_001349207.2); c.1122G>A, p.Leu374= (NM_001349208.2); c.975G>A, p.Leu325= (NM_145693.4, NM_001349199.2, NM_001349200.2 and 1 more transcripts); c.993G>A, p.Leu331= (NM_001261427.3); c.1230G>A, p.Leu410= (NM_001261428.3); c.1080G>A, p.Leu360= (NM_001349202.2, NM_001349203.2).
Identifiers: ClinVar variation 330913 (VCV000330913.11), dbSNP rs548508177, ClinGen allele CA1533597.